The following is an entry in ClinVar:

ClinVar aggregate classification (germline): Uncertain significance (1 of 4 stars; one submission).

Conditions:
Pilarowski-Bjornsson syndrome. Also called: DEVELOPMENTAL DELAY AND SPEECH APRAXIA WITH OR WITHOUT SEIZURES. Identifiers: Orphanet 529965, MedGen C4540131, MONDO:0060568, OMIM 617682.

Submission:

Neuberg Centre For Genomic Medicine, NCGM
Classification: Uncertain significance for Pilarowski-Bjornsson syndrome. Last evaluated: 2023-05-20. Review status: criteria provided, single submitter. Criteria: ACMG Guidelines, 2015. Collection method: clinical testing. Allele origin: germline. Inheritance: Autosomal dominant inheritance. Affected: yes.
Comment: The observed inframe deletion variant c.611_613del (p.Lys204del) in CHD1 gene has not been reported previously as a pathogenic variant nor as a benign variant, to our knowledge. The p.Lys204del variant is absent in gnomAD Exomes. This variant has not been submitted to the ClinVar database. This p.Lys204del causes deletion of amino acid Lysine at position 204. For these reasons, this variant has been classified as Variant of Uncertain Significance (VUS).

NM_001270.4(CHD1):c.608AGA[1] (p.Lys204del)

Gene: CHD1 (chromodomain helicase DNA binding protein 1; minus strand). Cytogenetic location: 5q21.1.
Variant type: Microsatellite.
Coding change: c.608AGA[1] on transcript NM_001270.4 (MANE Select); one copy of the 3-base unit AGA starting at c.608; the reference has two copies in a row; one copy, 3 bases deleted; also written c.611_613del.
Protein change: p.Lys204del; deletes lysine 204.
Molecular consequence: inframe deletion. On other transcripts: non-coding transcript variant (2).
Genome position (GRCh38, 1-based): chr5:98,901,057-98,901,059, TCT deleted on the plus strand (AGA on the coding strand, the reverse complement: CHD1 is on the minus strand); deleting any 3 consecutive bases within chr5:98,901,057-98,901,063 gives the same sequence; the position shown is the placement nearest the transcript's 3' end. VCF-style (leftmost placement, unchanged base first): chr5-98901056-ATCT-A. GRCh37 (hg19) VCF-style: chr5-98236760-ATCT-A.
Other names: c.608AGA[1], p.Lys204del (NM_001364113.3, NM_001376194.2); c.611_613del (NM_001270.4); short protein forms K204del.
Identifiers: ClinVar variation 3341370 (VCV003341370.1).